The following is an entry in ClinVar:

NM_001042492.3(NF1):c.8058G>T (p.Gln2686His)

Gene: NF1 (neurofibromin 1; plus strand). Cytogenetic location: 17q11.2.
Variant type: single nucleotide variant.
Coding change: c.8058G>T on transcript NM_001042492.3 (MANE Select); coding-DNA position 8058, G replaced by T.
Protein change: p.Gln2686His; replaces glutamine 2686 with histidine.
Molecular consequence: missense variant.
Genome position (GRCh38, 1-based): chr17:31,358,567, G>T. VCF-style: chr17-31358567-G-T. GRCh37 (hg19) VCF-style: chr17-29685585-G-T.
Other names: c.7995G>T, p.Gln2665His (NM_000267.4); short protein forms Q2665H, Q2686H.
Identifiers: ClinVar variation 3696486 (VCV003696486.2).
Genomic context (GRCh38, chr17:31,358,567, plus strand): 5'-CACCCTGTTATCATTGTGCCAAGATCCAAATTTGTTAAATCCAATCCATGGAATTGTGCA[G>T]AGTGTGGTGTACCATGAAGAATCCCCACCACAATACCAAACATCTTACCTGCAAAGTAAA-3'
Protein context (NP_001035957.1, residues 2676-2696): NLLNPIHGIV[Gln2686His]SVVYHEESPP

ClinVar aggregate classification (germline): Uncertain significance (1 of 4 stars; one submission).

Conditions:
Neurofibromatosis, type 1 (NF1). Also called: Peripheral type neurofibromatosis; Neurofibromatosis, type I; VON RECKLINGHAUSEN DISEASE; NEUROFIBROMATOSIS, TYPE I, SOMATIC. Identifiers: Orphanet 636, MedGen C0027831, MONDO:0018975, OMIM 162200. Disease mechanism: loss of function.

Submission:

Labcorp Genetics (formerly Invitae), Labcorp
Classification: Uncertain significance for Neurofibromatosis, type 1. Last evaluated: 2024-08-21. Review status: criteria provided, single submitter. Criteria: Invitae Variant Classification Sherloc (09022015). Collection method: clinical testing. Allele origin: germline.
Comment: This sequence change replaces glutamine, which is neutral and polar, with histidine, which is basic and polar, at codon 2665 of the NF1 protein (p.Gln2665His). This variant is not present in population databases (gnomAD no frequency). This variant has not been reported in the literature in individuals affected with NF1-related conditions. Invitae Evidence Modeling of protein sequence and biophysical properties (such as structural, functional, and spatial information, amino acid conservation, physicochemical variation, residue mobility, and thermodynamic stability) has been performed for this missense variant. However, the output from this modeling did not meet the statistical confidence thresholds required to predict the impact of this variant on NF1 protein function. In summary, the available evidence is currently insufficient to determine the role of this variant in disease. Therefore, it has been classified as a Variant of Uncertain Significance.